The following is an entry in ClinVar:

NM_001082538.3(TCTN1):c.898C>T (p.Arg300Ter)

Gene: TCTN1 (tectonic family member 1; plus strand). Cytogenetic location: 12q24.11.
Variant type: single nucleotide variant.
Coding change: c.898C>T on transcript NM_001082538.3 (MANE Select); coding-DNA position 898, C replaced by T.
Protein change: p.Arg300Ter; replaces arginine 300 with a stop codon.
Molecular consequence: nonsense. On other transcripts: non-coding transcript variant (1).
Genome position (GRCh38, 1-based): chr12:110,640,437, C>T. VCF-style: chr12-110640437-C-T. GRCh37 (hg19) VCF-style: chr12-111078242-C-T.
Other names: c.898C>T, p.Arg300Ter (NM_001082537.3, NM_001319680.2); c.730C>T, p.Arg244Ter (NM_001173975.3); c.718C>T, p.Arg240Ter (NM_001173976.2); c.364C>T, p.Arg122Ter (NM_001319681.2); c.856C>T, p.Arg286Ter (NM_024549.6); short protein forms R300*, R286*, R122*, R240*, R244*.
Identifiers: ClinVar variation 221983 (VCV000221983.7), dbSNP rs751962801, ClinGen allele CA352256.
Genomic context (GRCh38, chr12:110,640,437, plus strand): 5'-CTGCAGGTCCCTATCACTGTTCAGTCCATCGTCATTCAGTCTCTAAATAAAACGCTCACC[C>T]GACGGGAGGACACTGATGTGCTGCAGCCGACTCTCGTCAACGCTGGACACTTTAGCCTTT-3'

ClinVar aggregate classification (germline): Pathogenic. Review status: criteria provided, multiple submitters, no conflicts (2 of 4 stars). 4 submissions from 4 submitters: Pathogenic (3). 1 of the submissions does not count toward it. Last evaluated 2024-11-02.

Conditions:
Meckel-Gruber syndrome. Also called: Dysencephalia splachnocystica; DYSENCEPHALIA SPLANCHNOCYSTICA; GRUBER SYNDROME. Identifiers: Orphanet 564, MedGen C0265215, MONDO:0018921.
Joubert syndrome. Also called: Familial aplasia of the vermis; JOUBERT-BOLTSHAUSER SYNDROME. Identifiers: Orphanet 475, MedGen C5979921, MONDO:0018772.
Joubert syndrome 13 (JBTS13). Identifiers: Orphanet 475, MedGen C3280031, MONDO:0013608, OMIM 614173.

Allele frequency attached by ClinVar (database versions not stated): ExAC 0.00001; gnomAD exomes 0.00001; TOPMed 0.00001.
gnomAD v4.1: 8 of 1,614,148 alleles (0.0005%); highest among the groups gnomAD compares: Admixed American, 0.005%; no homozygotes.

Submissions (4):

Labcorp Genetics (formerly Invitae), Labcorp
Classification: Pathogenic for Joubert syndrome; Meckel-Gruber syndrome. Last evaluated: 2024-11-02. Review status: criteria provided, single submitter. Criteria: Invitae Variant Classification Sherloc (09022015). Collection method: clinical testing. Allele origin: germline.
Comment: This sequence change creates a premature translational stop signal (p.Arg300*) in the TCTN1 gene. It is expected to result in an absent or disrupted protein product. Loss-of-function variants in TCTN1 are known to be pathogenic (PMID: 21725307, 22693042, 27894351). This variant is present in population databases (rs751962801, gnomAD 0.003%). This premature translational stop signal has been observed in individual(s) with clinical features of Joubert syndrome (PMID: 26477546). ClinVar contains an entry for this variant (Variation ID: 221983). For these reasons, this variant has been classified as Pathogenic.

Fulgent Genetics
Classification: Pathogenic for Joubert syndrome 13. Last evaluated: 2024-06-12. Review status: criteria provided, single submitter. Criteria: ACMG Guidelines, 2015. Collection method: clinical testing. Allele origin: germline.

Juno Genomics, Hangzhou Juno Genomics, Inc
Classification: Pathogenic for Joubert syndrome 13. Review status: criteria provided, single submitter. Criteria: ACMG Guidelines, 2015. Collection method: clinical testing. Allele origin: germline.
Comment: Absent from controls (or at extremely low frequency if recessive) in Genome Aggregation Database.;Null variant in a gene where loss of function (LOF) is a known mechanism of disease.;For recessive disorders, detected in trans with a pathogenic variant.

OMIM
Classification: Pathogenic for JOUBERT SYNDROME 13. Last evaluated: 2016-02-10. Review status: no assertion criteria provided. Collection method: literature only. Allele origin: germline. Not counted in ClinVar's aggregate classification.

Literature cited by the submitters: PubMed 21725307 (cited by Labcorp Genetics (formerly Invitae), Labcorp); PubMed 22693042 (cited by Labcorp Genetics (formerly Invitae), Labcorp); PubMed 27894351 (cited by Labcorp Genetics (formerly Invitae), Labcorp); PubMed 26477546 (cited by Labcorp Genetics (formerly Invitae), Labcorp and OMIM).